The following is an entry in ClinVar:

ClinVar aggregate classification (germline): Uncertain significance (1 of 4 stars; one submission).

Allele frequency attached by ClinVar (database versions not stated): TOPMed below 0.00001; gnomAD 0.00001.

Submission:

Labcorp Genetics (formerly Invitae), Labcorp
Classification: Uncertain significance. Last evaluated: 2025-08-15. Review status: criteria provided, single submitter. Criteria: Invitae Variant Classification Sherloc (09022015). Collection method: clinical testing. Allele origin: germline.
Comment: This sequence change replaces tyrosine, which is neutral and polar, with histidine, which is basic and polar, at codon 912 of the RIMS1 protein (p.Tyr912His). This variant is present in population databases (no rsID available, gnomAD 0.007%). This variant has not been reported in the literature in individuals affected with RIMS1-related conditions. ClinVar contains an entry for this variant (Variation ID: 2103060). An algorithm developed to predict the effect of missense changes on protein structure and function (PolyPhen-2) suggests that this variant is likely to be disruptive. In summary, the available evidence is currently insufficient to determine the role of this variant in disease. Therefore, it has been classified as a Variant of Uncertain Significance.

NM_014989.7(RIMS1):c.2734T>C (p.Tyr912His)

Gene: RIMS1 (regulating synaptic membrane exocytosis 1; plus strand). Cytogenetic location: 6q13.
Variant type: single nucleotide variant.
Coding change: c.2734T>C on transcript NM_014989.7 (MANE Select); coding-DNA position 2734, T replaced by C.
Protein change: p.Tyr912His; replaces tyrosine 912 with histidine.
Molecular consequence: missense variant.
Genome position (GRCh38, 1-based): chr6:72,252,796, T>C. VCF-style: chr6-72252796-T-C. GRCh37 (hg19) VCF-style: chr6-72962499-T-C.
Other names: c.1156T>C, p.Tyr386His (NM_001168407.2, NM_001168408.2, NM_001350414.2 and 37 more transcripts); c.913T>C, p.Tyr305His (NM_001168409.2, NM_001350463.2, NM_001350464.2 and 6 more transcripts); c.1111T>C, p.Tyr371His (NM_001168410.2, NM_001350470.2, NM_001350472.2 and 2 more transcripts); c.1087T>C, p.Tyr363His (NM_001350421.2, NM_001350424.2, NM_001350428.2 and 6 more transcripts); short protein forms Y305H, Y386H, Y363H, Y371H, Y912H.
Identifiers: ClinVar variation 2103060 (VCV002103060.4), dbSNP rs1312226374, ClinGen allele CA364680583.
Genomic context (GRCh38, chr6:72,252,796, plus strand): 5'-ATCTCTTTGCCTTACTGTTGTGCAGGATCTCAGCGAATCAGTGATAGTGACATCTCAGAT[T>C]ATGAGGTTGATGATGGTATTGGCGTAGTTCCTCCAGGTGCGTGGGTGAGGAGCATGACCC-3'
Protein context (NP_055804.2, residues 902-922): QRISDSDISD[Tyr912His]EVDDGIGVVP